The following is an entry in ClinVar:

ClinVar aggregate classification (germline): Uncertain significance (1 of 4 stars; one submission).

Conditions:
Inborn genetic diseases. Identifiers: MedGen C0950123, MeSH D030342.

Submission:

Ambry Genetics
Classification: Uncertain significance for Inborn genetic diseases. Last evaluated: 2022-04-29. Review status: criteria provided, single submitter. Criteria: Ambry Variant Classification Scheme 2023. Collection method: clinical testing. Allele origin: germline.
Comment: The c.866G>A (p.G289E) alteration is located in exon 9 (coding exon 9) of the EDEM3 gene. This alteration results from a G to A substitution at nucleotide position 866, causing the glycine (G) at amino acid position 289 to be replaced by a glutamic acid (E). This variant was not reported in population-based cohorts in the Genome Aggregation Database (gnomAD). This amino acid position is highly conserved in available vertebrate species. This alteration is predicted to be deleterious by in silico analysis. Based on insufficient or conflicting evidence, the clinical significance of this alteration remains unclear.

NM_025191.4(EDEM3):c.866G>A (p.Gly289Glu)

Gene: EDEM3 (ER degradation enhancing alpha-mannosidase like protein 3; minus strand). Cytogenetic location: 1q25.3.
Variant type: single nucleotide variant.
Coding change: c.866G>A on transcript NM_025191.4 (MANE Select); coding-DNA position 866, G replaced by A.
Protein change: p.Gly289Glu; replaces glycine 289 with glutamic acid.
Molecular consequence: missense variant. On other transcripts: non-coding transcript variant (1).
Genome position (GRCh38, 1-based): chr1:184,721,374, C>T on the plus strand (G>A on the coding strand, the complement: EDEM3 is on the minus strand). VCF-style: chr1-184721374-C-T. GRCh37 (hg19) VCF-style: chr1-184690508-C-T.
Other names: c.866G>A, p.Gly289Glu (NM_001319960.2); short protein forms G289E.
Identifiers: ClinVar variation 2214612 (VCV002214612.2), dbSNP rs2526251378, ClinGen allele CA343863643.